The following is an entry in ClinVar:

ClinVar aggregate classification (germline): Uncertain significance (1 of 4 stars; one submission).

Conditions:
Developmental and epileptic encephalopathy, 12 (DEE12). Identifiers: MedGen C3150988, MONDO:0013389, OMIM 613722.

Allele frequency attached by ClinVar (database versions not stated): gnomAD exomes below 0.00001; TOPMed below 0.00001; gnomAD 0.00001.
gnomAD v4.1: 3 of 1,614,100 alleles (0.00019%); highest among the groups gnomAD compares: African/African-American, 0.0013%; no homozygotes.

Submission:

Labcorp Genetics (formerly Invitae), Labcorp
Classification: Uncertain significance for Developmental and epileptic encephalopathy, 12. Last evaluated: 2022-07-19. Review status: criteria provided, single submitter. Criteria: Invitae Variant Classification Sherloc (09022015). Collection method: clinical testing. Allele origin: germline.
Comment: This sequence change replaces glutamic acid, which is acidic and polar, with lysine, which is basic and polar, at codon 108 of the PNKP protein (p.Glu108Lys). In summary, the available evidence is currently insufficient to determine the role of this variant in disease. Therefore, it has been classified as a Variant of Uncertain Significance. Algorithms developed to predict the effect of missense changes on protein structure and function are either unavailable or do not agree on the potential impact of this missense change (SIFT: "Deleterious"; PolyPhen-2: "Benign"; Align-GVGD: "Class C0"). This variant has not been reported in the literature in individuals affected with PNKP-related conditions. This variant is not present in population databases (gnomAD no frequency).

NM_007254.4(PNKP):c.322G>A (p.Glu108Lys)

Gene: PNKP (polynucleotide kinase 3'-phosphatase; minus strand). Cytogenetic location: 19q13.33.
Variant type: single nucleotide variant.
Coding change: c.322G>A on transcript NM_007254.4 (MANE Select); coding-DNA position 322, G replaced by A.
Protein change: p.Glu108Lys; replaces glutamic acid 108 with lysine.
Molecular consequence: missense variant.
Genome position (GRCh38, 1-based): chr19:49,865,303, C>T on the plus strand (G>A on the coding strand, the complement: PNKP is on the minus strand). VCF-style: chr19-49865303-C-T. GRCh37 (hg19) VCF-style: chr19-50368560-C-T.
Other names: short protein forms E108K.
Identifiers: ClinVar variation 2089060 (VCV002089060.4), dbSNP rs1412623964, ClinGen allele CA406890389.